The following is an entry in ClinVar:

ClinVar aggregate classification (germline): Likely pathogenic (1 of 4 stars; one submission).

Allele frequency attached by ClinVar (database versions not stated): gnomAD exomes below 0.00001.
gnomAD v4.1: 2 of 1,614,050 alleles (0.00012%); highest among the groups gnomAD compares: Non-Finnish European, 0.00017%; no homozygotes.

Submission:

Labcorp Genetics (formerly Invitae), Labcorp
Classification: Likely pathogenic. Last evaluated: 2023-11-19. Review status: criteria provided, single submitter. Criteria: Invitae Variant Classification Sherloc (09022015). Collection method: clinical testing. Allele origin: germline.
Comment: This sequence change affects an acceptor splice site in intron 3 of the C9 gene. It is expected to disrupt RNA splicing. Variants that disrupt the donor or acceptor splice site typically lead to a loss of protein function (PMID: 16199547), and loss-of-function variants in C9 are known to be pathogenic (PMID: 9144525, 9570574). This variant is not present in population databases (gnomAD no frequency). This variant has not been reported in the literature in individuals affected with C9-related conditions. Algorithms developed to predict the effect of sequence changes on RNA splicing suggest that this variant may disrupt the consensus splice site. In summary, the currently available evidence indicates that the variant is pathogenic, but additional data are needed to prove that conclusively. Therefore, this variant has been classified as Likely Pathogenic.

Literature cited by the submitters: PubMed 16199547; PubMed 9144525; PubMed 9570574.

NM_001737.5(C9):c.329-2A>G

Gene: C9 (complement C9; minus strand). Cytogenetic location: 5p13.1.
Variant type: single nucleotide variant.
Coding change: c.329-2A>G on transcript NM_001737.5 (MANE Select); the canonical splice acceptor site of the intron before coding-DNA position 329, A replaced by G.
Molecular consequence: splice acceptor variant.
Genome position (GRCh38, 1-based): chr5:39,341,295, T>C on the plus strand (A>G on the coding strand, the complement: C9 is on the minus strand). VCF-style: chr5-39341295-T-C. GRCh37 (hg19) VCF-style: chr5-39341397-T-C.
Identifiers: ClinVar variation 2697383 (VCV002697383.3), dbSNP rs2479185893, ClinGen allele CA359563068.